The following is an entry in ClinVar:

ClinVar aggregate classification (germline): Uncertain significance (1 of 4 stars; one submission).

Submission:

GeneDx
Classification: Uncertain significance. Last evaluated: 2024-12-20. Review status: criteria provided, single submitter. Criteria: GeneDx Variant Classification Process June 2021. Collection method: clinical testing. Allele origin: germline. Affected: yes.
Comment: Not observed at significant frequency in large population cohorts (gnomAD); In silico analysis supports that this missense variant has a deleterious effect on protein structure/function; Has not been previously published as pathogenic or benign to our knowledge

NM_001162501.2(TNRC6B):c.5296T>C (p.Phe1766Leu)

Gene: TNRC6B (trinucleotide repeat containing adaptor 6B; plus strand). Cytogenetic location: 22q13.1.
Variant type: single nucleotide variant.
Coding change: c.5296T>C on transcript NM_001162501.2 (MANE Select); coding-DNA position 5296, T replaced by C.
Protein change: p.Phe1766Leu; replaces phenylalanine 1766 with leucine.
Molecular consequence: missense variant.
Genome position (GRCh38, 1-based): chr22:40,323,035, T>C. VCF-style: chr22-40323035-T-C. GRCh37 (hg19) VCF-style: chr22-40719039-T-C.
Other names: c.2884T>C, p.Phe962Leu (NM_001024843.2); c.4966T>C, p.Phe1656Leu (NM_015088.3); short protein forms F1656L, F1766L, F962L.
Identifiers: ClinVar variation 3906350 (VCV003906350.1).